The following is an entry in ClinVar:

NM_005585.5(SMAD6):c.772A>G (p.Thr258Ala)

Gene: SMAD6 (SMAD family member 6; plus strand). Cytogenetic location: 15q22.31.
Variant type: single nucleotide variant.
Coding change: c.772A>G on transcript NM_005585.5 (MANE Select); coding-DNA position 772, A replaced by G.
Protein change: p.Thr258Ala; replaces threonine 258 with alanine.
Molecular consequence: missense variant. On other transcripts: non-coding transcript variant (1).
Genome position (GRCh38, 1-based): chr15:66,704,030, A>G. VCF-style: chr15-66704030-A-G. GRCh37 (hg19) VCF-style: chr15-66996368-A-G.
Other names: short protein forms T258A.
Identifiers: ClinVar variation 4708758 (VCV004708758.1).

ClinVar aggregate classification (germline): Uncertain significance (1 of 4 stars; one submission).

Conditions:
Aortic valve disease 2 (AOVD2). Identifiers: MedGen C3542024, MONDO:0013902, OMIM 614823.

gnomAD v4.1: 3 of 1,513,022 alleles (0.0002%); highest among the groups gnomAD compares: African/African-American, 0.0014%; no homozygotes.

Submission:

Labcorp Genetics (formerly Invitae), Labcorp
Classification: Uncertain significance for Aortic valve disease 2. Last evaluated: 2025-05-25. Review status: criteria provided, single submitter. Criteria: Invitae Variant Classification Sherloc (09022015). Collection method: clinical testing. Allele origin: germline.
Comment: This sequence change replaces threonine, which is neutral and polar, with alanine, which is neutral and non-polar, at codon 258 of the SMAD6 protein (p.Thr258Ala). This variant is not present in population databases (gnomAD no frequency). This variant has not been reported in the literature in individuals affected with SMAD6-related conditions. Invitae Evidence Modeling of protein sequence and biophysical properties (such as structural, functional, and spatial information, amino acid conservation, physicochemical variation, residue mobility, and thermodynamic stability) indicates that this missense variant is not expected to disrupt SMAD6 protein function with a negative predictive value of 80%. In summary, the available evidence is currently insufficient to determine the role of this variant in disease. Therefore, it has been classified as a Variant of Uncertain Significance.